The following is an entry in ClinVar:

NM_022095.4(ZNF335):c.3081C>T (p.Ala1027=)

Gene: ZNF335 (zinc finger protein 335; minus strand). Cytogenetic location: 20q13.12.
Variant type: single nucleotide variant.
Coding change: c.3081C>T on transcript NM_022095.4 (MANE Select); coding-DNA position 3081, C replaced by T.
Protein change: p.Ala1027=; no amino-acid change (alanine 1027 retained).
Molecular consequence: synonymous variant.
Genome position (GRCh38, 1-based): chr20:45,952,255, G>A on the plus strand (C>T on the coding strand, the complement: ZNF335 is on the minus strand). VCF-style: chr20-45952255-G-A. GRCh37 (hg19) VCF-style: chr20-44580894-G-A.
Identifiers: ClinVar variation 4534543 (VCV004534543.6).

ClinVar aggregate classification (germline): Likely benign (1 of 4 stars; one submission).

Submission:

CeGaT Center for Human Genetics Tuebingen
Classification: Likely benign. Last evaluated: 2025-10-01. Review status: criteria provided, single submitter. Criteria: CeGaT Center For Human Genetics Tuebingen Variant Classification Criteria Version 2. Collection method: clinical testing. Allele origin: germline. Affected: yes. Observed: 1 variant allele.
Comment: ZNF335: BP4, BP7